The following is an entry in ClinVar:

ClinVar aggregate classification (germline): Uncertain significance. Review status: criteria provided, multiple submitters, no conflicts (2 of 4 stars). 2 submissions from 2 submitters: Uncertain significance (2). Last evaluated 2022-07-11.

Submissions (2):

GeneDx
Classification: Uncertain significance. Last evaluated: 2022-07-11. Review status: criteria provided, single submitter. Criteria: GeneDx Variant Classification Process June 2021. Collection method: clinical testing. Allele origin: germline. Affected: yes.
Comment: Not observed at significant frequency in large population cohorts (gnomAD); In silico analysis supports that this missense variant has a deleterious effect on protein structure/function; Has not been previously published as pathogenic or benign to our knowledge

ARUP Laboratories, Molecular Genetics and Genomics, ARUP Laboratories
Classification: Uncertain significance. Last evaluated: 2019-05-23. Review status: criteria provided, single submitter. Criteria: ARUP Molecular Germline Variant Investigation Process. Collection method: clinical testing. Allele origin: germline.
Comment: The EPHB4 c.1400A>G; p.Tyr467Cys variant, to our knowledge, is not reported in the medical literature or gene specific databases. This variant is also absent from general population databases (Exome Variant Server, Genome Aggregation Database), indicating it is not a common polymorphism. The tyrosine at codon 467 is highly conserved, and computational analyses (SIFT, PolyPhen-2) predict that this variant is deleterious. However, given the lack of clinical and functional data, the significance of this variant is uncertain at this time.

NM_004444.5(EPHB4):c.1400A>G (p.Tyr467Cys)

Gene: EPHB4 (EPH receptor B4; minus strand). Cytogenetic location: 7q22.1.
Variant type: single nucleotide variant.
Coding change: c.1400A>G on transcript NM_004444.5 (MANE Select); coding-DNA position 1400, A replaced by G.
Protein change: p.Tyr467Cys; replaces tyrosine 467 with cysteine.
Molecular consequence: missense variant.
Genome position (GRCh38, 1-based): chr7:100,818,542, T>C on the plus strand (A>G on the coding strand, the complement: EPHB4 is on the minus strand). VCF-style: chr7-100818542-T-C. GRCh37 (hg19) VCF-style: chr7-100416164-T-C.
Other names: short protein forms Y467C.
Identifiers: ClinVar variation 811436 (VCV000811436.9), dbSNP rs1584662598, ClinGen allele CA368573447.
Genomic context (GRCh38, chr7:100,818,542, plus strand): 5'-CATTGCCCACCCACCCCAGGGCTGGGGGATGGCCTTACCTTCTCATGGTATTTGACCTCG[T>C]AGTCCAGCACAGCCCCACTGGGTGCCCGGGGAACAGCCCAGGCCAGGCTCAAGCTGCTGG-3'
Protein context (NP_004435.3, residues 457-477): PRAPSGAVLD[Tyr467Cys]EVKYHEKGAE